The following is an entry in ClinVar:

ClinVar aggregate classification (germline): Uncertain significance (1 of 4 stars; one submission).

Submission:

GeneDx
Classification: Uncertain significance. Last evaluated: 2025-05-06. Review status: criteria provided, single submitter. Criteria: GeneDx Variant Classification Process June 2021. Collection method: clinical testing. Allele origin: germline. Affected: yes.
Comment: Has not been previously published as pathogenic or benign to our knowledge; Not observed at significant frequency in large population cohorts (gnomAD); In silico analysis supports a deleterious effect on protein structure/function; In-frame insertion of 2 amino acid(s) in a non-repeat region

NM_144599.5(NIPA1):c.445_446insCGACTC (p.Thr148_Gln149insProThr)

Gene: NIPA1 (NIPA magnesium transporter 1; plus strand). Cytogenetic location: 15q11.2.
Variant type: Duplication.
Coding change: c.445_446insCGACTC on transcript NM_144599.5 (MANE Select); coding-DNA positions 445 to 446, CGACTC inserted.
Protein change: p.Thr148_Gln149insProThr.
Molecular consequence: inframe insertion.
Genome position: GRCh38 VCF-style: chr15-22820436-A-AACTCCG. GRCh37 (hg19) VCF-style: chr15-23052627-T-TGAGTCG.
Other names: c.220_221insCGACTC, p.Thr73_Gln74insProThr (NM_001142275.1).
Identifiers: ClinVar variation 1704857 (VCV001704857.3), dbSNP rs2503810813, ClinGen allele CA2580089107.
Genomic context (GRCh38, chr15:22,820,436, plus strand): 5'-GCTAAGCTGTGCAGGCTCCGTCGTGCTGATTATCCACTCCCCAAAGTCTGAGAGTGTGAC[A>AACTCCG]ACTCAGGCTGAGCTGGAGGAAAAGCTGACCAATCCAGGTAATTCCTTTCTAGCAGCACTG-3'